The following is an entry in ClinVar:

ClinVar aggregate classification (germline): Benign/Likely benign. Review status: criteria provided, multiple submitters, no conflicts (2 of 4 stars). 3 submissions from 3 submitters: Benign (1); Likely benign (2). Last evaluated 2024-10-22.

Conditions:
Birt-Hogg-Dube syndrome 1 (BHD1). Also called: FIBROFOLLICULOMAS WITH TRICHODISCOMAS AND ACROCHORDONS. Identifiers: Orphanet 122, MedGen CN375946, MONDO:0800445, OMIM 135150.
Birt-Hogg-Dube syndrome. Also called: Birt Hogg Dubé syndrome. Identifiers: Orphanet 122, MedGen C0346010, MONDO:0800444.

Allele frequency attached by ClinVar (database versions not stated): gnomAD exomes below 0.00001.
gnomAD v4.1: 3 of 1,614,160 alleles (0.00019%); highest among the groups gnomAD compares: Non-Finnish European, 0.00017%; no homozygotes.

Submissions (3):

Myriad Genetics, Inc.
Classification: Benign for Birt-Hogg-Dube syndrome 1. Last evaluated: 2024-10-22. Review status: criteria provided, single submitter. Criteria: Myriad Autosomal Dominant, Autosomal Recessive and X-Linked Classification Criteria (2023). Collection method: clinical testing. Allele origin: unknown.
Comment: This variant is considered benign. This variant is a silent/synonymous amino acid change and it is not expected to impact splicing.

Labcorp Genetics (formerly Invitae), Labcorp
Classification: Likely benign for Birt-Hogg-Dube syndrome. Last evaluated: 2022-05-19. Review status: criteria provided, single submitter. Criteria: Invitae Variant Classification Sherloc (09022015). Collection method: clinical testing. Allele origin: germline.

Blueprint Genetics
Classification: Likely benign. Last evaluated: 2022-05-13. Review status: criteria provided, single submitter. Criteria: ACMG Guidelines, 2015. Collection method: clinical testing. Allele origin: germline.

NM_144997.7(FLCN):c.366C>G (p.Arg122=)

Gene: FLCN (folliculin; minus strand). Cytogenetic location: 17p11.2.
Variant type: single nucleotide variant.
Coding change: c.366C>G on transcript NM_144997.7 (MANE Select); coding-DNA position 366, C replaced by G.
Protein change: p.Arg122=; no amino-acid change (arginine 122 retained).
Molecular consequence: synonymous variant.
Genome position (GRCh38, 1-based): chr17:17,226,206, G>C on the plus strand (C>G on the coding strand, the complement: FLCN is on the minus strand). VCF-style: chr17-17226206-G-C. GRCh37 (hg19) VCF-style: chr17-17129520-G-C.
Other names: c.366C>G, p.Arg122= (NM_001353229.2, NM_001353230.2, NM_001353231.2 and 1 more transcripts).
Identifiers: ClinVar variation 765797 (VCV000765797.9), dbSNP rs1597612729, ClinGen allele CA498167665.